The following is an entry in ClinVar:

NM_020937.4(FANCM):c.1996A>G (p.Arg666Gly)

Gene: FANCM (FA complementation group M; plus strand). Cytogenetic location: 14q21.2.
Variant type: single nucleotide variant.
Coding change: c.1996A>G on transcript NM_020937.4 (MANE Select); coding-DNA position 1996, A replaced by G.
Protein change: p.Arg666Gly; replaces arginine 666 with glycine.
Molecular consequence: missense variant.
Genome position (GRCh38, 1-based): chr14:45,167,157, A>G. VCF-style: chr14-45167157-A-G. GRCh37 (hg19) VCF-style: chr14-45636360-A-G.
Other names: c.1996A>G (NM_020937.3); c.1918A>G, p.Arg640Gly (NM_001308133.2); c.1996A>G, p.Arg666Gly (NM_001308134.2); short protein forms R666G, R640G.
Identifiers: ClinVar variation 456258 (VCV000456258.16), dbSNP rs78437454, ClinGen allele CA7169200.

ClinVar aggregate classification (germline): Conflicting classifications of pathogenicity. Review status: criteria provided, conflicting classifications (1 of 4 stars). 3 submissions from 3 submitters: Uncertain significance (1); Likely benign (1). 1 of the submissions does not count toward it. Last evaluated 2026-01-24.

Conditions:
Fanconi anemia (FA). Also called: Fanconi's anemia. Identifiers: Orphanet 84, MedGen C0015625, MeSH D005199, MONDO:0019391.
FANCM-related disorder. Also called: FANCM-related condition.

Allele frequency attached by ClinVar (database versions not stated): gnomAD exomes 0.00003 and 0.00018; gnomAD 0.00006 and 0.00007; TOPMed 0.00010; ExAC 0.00014; 1000 Genomes Project 0.00040; 1000 Genomes Project 30x 0.00047.
gnomAD v4.1: 55 of 1,601,050 alleles (0.0034%); highest among the groups gnomAD compares: East Asian, 0.12%; no homozygotes.

Submissions (3):

Labcorp Genetics (formerly Invitae), Labcorp
Classification: Likely benign for Fanconi anemia. Last evaluated: 2026-01-24. Review status: criteria provided, single submitter. Criteria: Invitae Variant Classification Sherloc (09022015). Collection method: clinical testing. Allele origin: germline.

GeneDx
Classification: Uncertain significance. Last evaluated: 2024-10-15. Review status: criteria provided, single submitter. Criteria: GeneDx Variant Classification Process June 2021. Collection method: clinical testing. Allele origin: germline. Affected: yes.
Comment: In silico analysis indicates that this missense variant does not alter protein structure/function; Identified in an individual with breast cancer (PMID: 26689913); This variant is associated with the following publications: (PMID: 26689913)

PreventionGenetics, part of Exact Sciences
Classification: Likely benign for FANCM-related condition. Last evaluated: 2022-07-08. Review status: no assertion criteria provided. Collection method: clinical testing. Allele origin: germline. Not counted in ClinVar's aggregate classification.
Comment: This variant is classified as likely benign based on ACMG/AMP sequence variant interpretation guidelines (Richards et al. 2015 PMID: 25741868, with internal and published modifications).